The following is an entry in ClinVar:

ClinVar aggregate classification (germline): Benign (1 of 4 stars; one submission).

Submission:

Women's Health and Genetics/Laboratory Corporation of America, LabCorp
Classification: Benign. Last evaluated: 2019-11-17. Review status: criteria provided, single submitter. Criteria: LabCorp Variant Classification Summary - May 2015. Collection method: clinical testing. Allele origin: germline.
Comment: Variant summary: RYR2 c.1477-13_1477-11dupTTT alters a nucleotide located close to a canonical splice site and therefore could affect mRNA splicing, leading to a significantly altered protein sequence. 5/5 computational tools predict no significant impact on normal splicing. However, these predictions have yet to be confirmed by functional studies. The variant allele was found at a frequency of 0.00027 in 142038 control chromosomes. The observed variant frequency is approximately 5-folds over the estimated maximal expected allele frequency for a pathogenic variant in RYR2 causing Arrhythmia phenotype (6e-05), strongly suggesting that the variant is benign. In addition, the variant is located in a highly polymorphic repetitive T region. To our knowledge, no occurrence of c.1477-13_1477-11dupTTT in individuals affected with Arrhythmia and no experimental evidence demonstrating its impact on protein function have been reported. No clinical diagnostic laboratories have submitted clinical-significance assessments for this variant to ClinVar after 2014. Based on the evidence outlined above, the variant was classified as benign.

NM_001035.3(RYR2):c.1477-13_1477-11dup

Gene: RYR2 (ryanodine receptor 2; plus strand). Cytogenetic location: 1q43.
Variant type: Duplication.
Coding change: c.1477-13_1477-11dup on transcript NM_001035.3 (MANE Select); 13 bases into the intron before coding-DNA position 1477 through 11 bases into the intron before coding-DNA position 1477, 3 bases duplicated (TTT; older notation c.1477-13_1477-11dupTTT).
Molecular consequence: intron variant.
Genome position (GRCh38, 1-based): chr1:237,456,587-237,456,589, TTT duplicated; duplicating any 3 consecutive bases within chr1:237,456,576-237,456,589 gives the same sequence; the c. name uses the placement nearest the transcript's 3' end. VCF-style (leftmost placement, unchanged base first): chr1-237456575-A-ATTT. GRCh37 (hg19) VCF-style: chr1-237619875-A-ATTT.
Identifiers: ClinVar variation 928863 (VCV000928863.1), dbSNP rs397516518, ClinGen allele CA1474920.